The following is an entry in ClinVar:

NM_015937.6(PIGT):c.725T>A (p.Leu242Gln)

Gene: PIGT (phosphatidylinositol glycan anchor biosynthesis class T; plus strand). Cytogenetic location: 20q13.12.
Variant type: single nucleotide variant.
Coding change: c.725T>A on transcript NM_015937.6 (MANE Select); coding-DNA position 725, T replaced by A.
Protein change: p.Leu242Gln; replaces leucine 242 with glutamine.
Molecular consequence: missense variant. On other transcripts: non-coding transcript variant (5).
Genome position (GRCh38, 1-based): chr20:45,420,179, T>A. VCF-style: chr20-45420179-T-A. GRCh37 (hg19) VCF-style: chr20-44048819-T-A.
Other names: c.557T>A, p.Leu186Gln (NM_001184728.3); c.725T>A, p.Leu242Gln (NM_001184729.3); c.419T>A, p.Leu140Gln (NM_001184730.3); short protein forms L186Q, L242Q, L140Q.
Identifiers: ClinVar variation 2101832 (VCV002101832.4), dbSNP rs2515535547, ClinGen allele CA409167366.

ClinVar aggregate classification (germline): Uncertain significance (1 of 4 stars; one submission).

Conditions:
Multiple congenital anomalies-hypotonia-seizures syndrome 3 (MCAHS3). Also called: GLYCOSYLPHOSPHATIDYLINOSITOL BIOSYNTHESIS DEFECT 7. Identifiers: Orphanet 369837, MedGen C3809356, MONDO:0014165, OMIM 615398.

Submission:

Labcorp Genetics (formerly Invitae), Labcorp
Classification: Uncertain significance for Multiple congenital anomalies-hypotonia-seizures syndrome 3. Last evaluated: 2022-02-22. Review status: criteria provided, single submitter. Criteria: Invitae Variant Classification Sherloc (09022015). Collection method: clinical testing. Allele origin: germline.
Comment: In summary, the available evidence is currently insufficient to determine the role of this variant in disease. Therefore, it has been classified as a Variant of Uncertain Significance. Algorithms developed to predict the effect of missense changes on protein structure and function are either unavailable or do not agree on the potential impact of this missense change (SIFT: "Deleterious"; PolyPhen-2: "Probably Damaging"; Align-GVGD: "Class C0"). This variant has not been reported in the literature in individuals affected with PIGT-related conditions. This variant is not present in population databases (gnomAD no frequency). This sequence change replaces leucine, which is neutral and non-polar, with glutamine, which is neutral and polar, at codon 242 of the PIGT protein (p.Leu242Gln).